The following is an entry in ClinVar:

NM_018489.3(ASH1L):c.1822A>G (p.Ser608Gly)

Gene: ASH1L (ASH1 like histone lysine methyltransferase; minus strand). Cytogenetic location: 1q22.
Variant type: single nucleotide variant.
Coding change: c.1822A>G on transcript NM_018489.3 (MANE Select); coding-DNA position 1822, A replaced by G.
Protein change: p.Ser608Gly; replaces serine 608 with glycine.
Molecular consequence: missense variant.
Genome position (GRCh38, 1-based): chr1:155,481,048, T>C on the plus strand (A>G on the coding strand, the complement: ASH1L is on the minus strand). VCF-style: chr1-155481048-T-C. GRCh37 (hg19) VCF-style: chr1-155450839-T-C.
Other names: c.1822A>G, p.Ser608Gly (NM_001366177.2); c.1822A>G (NM_018489.2); short protein forms S608G.
Identifiers: ClinVar variation 2570739 (VCV002570739.28), dbSNP rs754109654, ClinGen allele CA1147291.

ClinVar aggregate classification (germline): Likely benign. Review status: criteria provided, multiple submitters, no conflicts (2 of 4 stars). 2 submissions from 2 submitters: Likely benign (2). Last evaluated 2025-09-04.

Conditions:
Inborn genetic diseases. Identifiers: MedGen C0950123, MeSH D030342.

Allele frequency attached by ClinVar (database versions not stated): ExAC 0.00001; gnomAD exomes 0.00002; TOPMed 0.00002; gnomAD 0.00003.
gnomAD v4.1: 32 of 1,613,972 alleles (0.002%); highest among the groups gnomAD compares: Admixed American, 0.0067%; no homozygotes.

Submissions (2):

Ambry Genetics
Classification: Likely benign for Inborn genetic diseases. Last evaluated: 2025-09-04. Review status: criteria provided, single submitter. Criteria: Ambry Variant Classification Scheme 2023. Collection method: clinical testing. Allele origin: germline.

CeGaT Center for Human Genetics Tuebingen
Classification: Likely benign. Last evaluated: 2023-05-01. Review status: criteria provided, single submitter. Criteria: CeGaT Center For Human Genetics Tuebingen Variant Classification Criteria Version 2. Collection method: clinical testing. Allele origin: germline. Affected: yes. Observed: 1 variant allele.
Comment: ASH1L: PP2, BP4, BS2